The following is an entry in ClinVar:

ClinVar aggregate classification (germline): Uncertain significance (1 of 4 stars; one submission).

Submission:

ARUP Laboratories, Molecular Genetics and Genomics, ARUP Laboratories
Classification: Uncertain significance. Last evaluated: 2017-06-29. Review status: criteria provided, single submitter. Criteria: ARUP Molecular Germline Variant Investigation Process. Collection method: clinical testing. Allele origin: germline.
Comment: The LPIN2 c.1868C>T;p.Pro623Leu variant has not been described in the medical literature, in gene-specific databases, or in the general population-based databases (Exome Variant Server, Genome Aggregation Database). However, another variant in the same codon, c.1867C>T;p.Pro623Ser, has been described as benign in the ClinVar database (Variation ID: 245641) and is listed with an allele frequency of up to 2.734 percent (657/24028 alleles) in the African population in the Genome Aggregation Database. Additionally, the c.1867C>T;p.Pro623Ser variant has been shown to function like the wild type protein in at least one functional assay (Michot 2012). The proline at this position is weakly conserved across species and computational algorithms (AlignGVGD, PolyPhen2, SIFT) predict the Pro623Leu variant is tolerated. However, this information is not sufficient to assume the p.Pro623Leu variant is benign. Therefore, the clinical significance of this variant cannot be determined with certainty. References: Michot C et al. Study of LPIN1, LPIN2 and LPIN3 in rhabdomyolysis and exercise-induced myalgia. J Inherit Metab Dis. 2012 Nov;35(6):1119-28.

NM_001375808.2(LPIN2):c.1868C>T (p.Pro623Leu)

Gene: LPIN2 (lipin 2; minus strand). Cytogenetic location: 18p11.31.
Variant type: single nucleotide variant.
Coding change: c.1868C>T on transcript NM_001375808.2 (MANE Select); coding-DNA position 1868, C replaced by T.
Protein change: p.Pro623Leu; replaces proline 623 with leucine.
Molecular consequence: missense variant.
Genome position (GRCh38, 1-based): chr18:2,925,294, G>A on the plus strand (C>T on the coding strand, the complement: LPIN2 is on the minus strand). VCF-style: chr18-2925294-G-A. GRCh37 (hg19) VCF-style: chr18-2925292-G-A.
Other names: c.1868C>T, p.Pro623Leu (NM_001375809.1, NM_014646.2); short protein forms P623L.
Identifiers: ClinVar variation 618198 (VCV000618198.8), dbSNP rs941401458, ClinGen allele CA401701785.